The following is an entry in ClinVar:

NM_001378454.1(ALMS1):c.11419A>T (p.Lys3807Ter)

Gene: ALMS1 (ALMS1 centrosome and basal body associated protein; plus strand). Cytogenetic location: 2p13.1.
Variant type: single nucleotide variant.
Coding change: c.11419A>T on transcript NM_001378454.1 (MANE Select); coding-DNA position 11419, A replaced by T.
Protein change: p.Lys3807Ter; replaces lysine 3807 with a stop codon.
Molecular consequence: nonsense.
Genome position (GRCh38, 1-based): chr2:73,573,296, A>T. VCF-style: chr2-73573296-A-T. GRCh37 (hg19) VCF-style: chr2-73800423-A-T.
Other names: c.11422A>T, p.Lys3808Ter (NM_015120.4); short protein forms K3808*, K3807*.
Identifiers: ClinVar variation 3693426 (VCV003693426.3).

ClinVar aggregate classification (germline): Pathogenic/Likely pathogenic. Review status: criteria provided, multiple submitters, no conflicts (2 of 4 stars). 2 submissions from 2 submitters: Pathogenic (1); Likely pathogenic (1). Last evaluated 2024-02-02.

Conditions:
Alstrom syndrome (ALMS). Identifiers: Orphanet 64, MedGen C0268425, MONDO:0008763, OMIM 203800.

Submissions (2):

Labcorp Genetics (formerly Invitae), Labcorp
Classification: Pathogenic for Alstrom syndrome. Last evaluated: 2024-02-02. Review status: criteria provided, single submitter. Criteria: Invitae Variant Classification Sherloc (09022015). Collection method: clinical testing. Allele origin: germline.
Comment: This sequence change creates a premature translational stop signal (p.Lys3808*) in the ALMS1 gene. It is expected to result in an absent or disrupted protein product. Loss-of-function variants in ALMS1 are known to be pathogenic (PMID: 17594715). This variant is not present in population databases (gnomAD no frequency). This variant has not been reported in the literature in individuals affected with ALMS1-related conditions. For these reasons, this variant has been classified as Pathogenic.

Kariminejad - Najmabadi Pathology & Genetics Center
Classification: Likely pathogenic for Alstrom syndrome. Review status: criteria provided, single submitter. Criteria: ACMG Guidelines, 2015. Collection method: clinical testing. Allele origin: germline. Affected: no.

Literature cited by the submitters: PubMed 17594715 (cited by Labcorp Genetics (formerly Invitae), Labcorp).